The following is an entry in ClinVar:

ClinVar aggregate classification (germline): Likely pathogenic. Review status: criteria provided, single submitter (1 of 4 stars). 3 submissions from 3 submitters: Likely pathogenic (1). 2 of the submissions do not count toward it. Last evaluated 2024-11-01.

Conditions:
INF2-related disorder. Also called: INF2-related condition.
Focal segmental glomerulosclerosis 5 (FSGS5). Identifiers: Orphanet 656, MedGen C2750475, MONDO:0013191, OMIM 613237.

Submissions (3):

Blueprint Genetics
Classification: Likely pathogenic for INF2-related disorders. Last evaluated: 2024-11-01. Review status: criteria provided, single submitter. Criteria: ACMG Guidelines, 2015. Collection method: clinical testing. Allele origin: germline. Affected: yes. Observed: 3 variant alleles.

PreventionGenetics, part of Exact Sciences
Classification: Pathogenic for INF2-related condition. Last evaluated: 2024-06-06. Review status: no assertion criteria provided. Collection method: clinical testing. Allele origin: germline. Not counted in ClinVar's aggregate classification.
Comment: The INF2 c.556T>C variant is predicted to result in the amino acid substitution p.Ser186Pro. This variant has been reported to be pathogenic for autosomal dominant focal segmental glomerulosclerosis (FSGS); and this variant has been shown to likely increase INF2 interaction with profilin 2 and the F-actin capping protein, resulting in aberrant regulation of actin dynamics (Brown et al. 2010. PubMed ID: 20023659; Rollason et al. 2016. PubMed ID: 26764407). This variant has not been reported in a large population database, indicating this variant is rare. This variant is interpreted as pathogenic.

OMIM
Classification: Pathogenic for FOCAL SEGMENTAL GLOMERULOSCLEROSIS 5. Last evaluated: 2010-01-01. Review status: no assertion criteria provided. Collection method: literature only. Allele origin: germline. Not counted in ClinVar's aggregate classification.

Literature cited by the submitters: PubMed 20023659 (cited by OMIM).

NM_022489.4(INF2):c.556T>C (p.Ser186Pro)

Gene: INF2 (inverted formin 2; plus strand). Cytogenetic location: 14q32.33.
Variant type: single nucleotide variant.
Coding change: c.556T>C on transcript NM_022489.4 (MANE Select); coding-DNA position 556, T replaced by C.
Protein change: p.Ser186Pro; replaces serine 186 with proline.
Molecular consequence: missense variant.
Genome position (GRCh38, 1-based): chr14:104,703,343, T>C. VCF-style: chr14-104703343-T-C. GRCh37 (hg19) VCF-style: chr14-105169680-T-C.
Other names: c.556T>C, p.Ser186Pro (NM_001031714.4, NM_032714.3); c.556T>C (NM_022489.3); short protein forms S186P.
Identifiers: ClinVar variation 1050 (VCV000001050.5), dbSNP rs267606877, ClinGen allele CA114722.